The following is an entry in ClinVar:

NM_002317.7(LOX):c.1035+4T>A

Genes: LOX (lysyl oxidase; minus strand), SRFBP1 (serum response factor binding protein 1; plus strand). Cytogenetic location: 5q23.1.
Variant type: single nucleotide variant.
Coding change: c.1035+4T>A on transcript NM_002317.7 (MANE Select); 4 bases into the intron after coding-DNA position 1035, T replaced by A.
Molecular consequence: intron variant.
Genome position (GRCh38, 1-based): chr5:122,074,009, A>T on the plus strand (T>A on the coding strand, the complement: LOX is on the minus strand). VCF-style: chr5-122074009-A-T. GRCh37 (hg19) VCF-style: chr5-121409704-A-T.
Other names: c.345+4T>A (NM_001178102.2); c.144+4T>A (NM_001317073.1).
Identifiers: ClinVar variation 4687638 (VCV004687638.2).
Genomic context (GRCh38, chr5:122,074,009, plus strand): 5'-CTAACGGTAGATGACCCGTTTCTCTCTGAGGCTTGAGGTTCTGGATTTCAGGGTGCCAAC[A>T]TACCTGTGTGTGTGCAGTACATGCAAATCGCCTGTGGTAGCCATAGTCACAGGATGTGTC-3'

ClinVar aggregate classification (germline): Uncertain significance. Review status: criteria provided, multiple submitters, no conflicts (2 of 4 stars). 2 submissions from 2 submitters: Uncertain significance (2). Last evaluated 2025-10-29.

gnomAD v4.1: 33 of 1,610,692 alleles (0.002%); highest among the groups gnomAD compares: Non-Finnish European, 0.0027%; no homozygotes.

Submissions (2):

Women's Health and Genetics/Laboratory Corporation of America, LabCorp
Classification: Uncertain significance. Last evaluated: 2025-10-29. Review status: criteria provided, single submitter. Criteria: LabCorp Variant Classification Summary - May 2015. Collection method: clinical testing. Allele origin: germline.
Comment: Variant summary: LOX c.1035+4T>A alters a conserved nucleotide located close to a canonical splice site and therefore could affect mRNA splicing, leading to a significantly altered protein sequence. Consensus agreement among computation tools predict no significant impact on normal splicing. However, these predictions have yet to be confirmed by functional studies. The variant allele was found at a frequency of 1.6e-05 in 251028 control chromosomes. The available data on variant occurrences in the general population are insufficient to allow any conclusion about variant significance. To our knowledge, no occurrence of c.1035+4T>A in individuals affected with LOX-related conditions and no experimental evidence demonstrating its impact on protein function have been reported. No submitters have cited clinical-significance assessments for this variant to ClinVar. Based on the evidence outlined above, the variant was classified as uncertain significance.

Labcorp Genetics (formerly Invitae), Labcorp
Classification: Uncertain significance. Last evaluated: 2025-06-15. Review status: criteria provided, single submitter. Criteria: Invitae Variant Classification Sherloc (09022015). Collection method: clinical testing. Allele origin: germline.
Comment: This sequence change falls in intron 4 of the LOX gene. It does not directly change the encoded amino acid sequence of the LOX protein. It affects a nucleotide within the consensus splice site. This variant is present in population databases (no rsID available, gnomAD 0.004%). This variant has not been reported in the literature in individuals affected with LOX-related conditions. Variants that disrupt the consensus splice site are a relatively common cause of aberrant splicing (PMID: 17576681, 9536098). Algorithms developed to predict the effect of sequence changes on RNA splicing suggest that this variant is not likely to affect RNA splicing. In summary, the available evidence is currently insufficient to determine the role of this variant in disease. Therefore, it has been classified as a Variant of Uncertain Significance.

Literature cited by the submitters: PubMed 17576681 (cited by Labcorp Genetics (formerly Invitae), Labcorp); PubMed 9536098 (cited by Labcorp Genetics (formerly Invitae), Labcorp).